The following is an entry in ClinVar:

NM_006922.4(SCN3A):c.171T>C (p.Ala57=)

Gene: SCN3A (sodium voltage-gated channel alpha subunit 3; minus strand). Cytogenetic location: 2q24.3.
Variant type: single nucleotide variant.
Coding change: c.171T>C on transcript NM_006922.4 (MANE Select); coding-DNA position 171, T replaced by C.
Protein change: p.Ala57=; no amino-acid change (alanine 57 retained).
Molecular consequence: synonymous variant.
Genome position (GRCh38, 1-based): chr2:165,176,224, A>G on the plus strand (T>C on the coding strand, the complement: SCN3A is on the minus strand). VCF-style: chr2-165176224-A-G. GRCh37 (hg19) VCF-style: chr2-166032734-A-G.
Other names: c.171T>C, p.Ala57= (NM_001081676.2, NM_001081677.2).
Identifiers: ClinVar variation 196445 (VCV000196445.21), dbSNP rs111389453, ClinGen allele CA214594.

ClinVar aggregate classification (germline): Benign/Likely benign. Review status: criteria provided, multiple submitters, no conflicts (2 of 4 stars). 6 submissions from 6 submitters: Benign (3); Likely benign (2). 1 of the submissions does not count toward it. Last evaluated 2026-02-02.

Conditions:
SCN3A-related disorder. Also called: SCN3A-related condition.
Developmental and epileptic encephalopathy, 62. Also called: Early infantile epileptic encephalopathy 62. Identifiers: MedGen C4693699, MONDO:0033371, OMIM 617938.
Epilepsy, familial focal, with variable foci 4 (FFEVF4). Identifiers: MedGen C4693694, MONDO:0054776, OMIM 617935.

Allele frequency attached by ClinVar (database versions not stated): gnomAD exomes 0.00025 and 0.00076; ExAC 0.00087; ESP Exome Variant Server 0.00231; gnomAD 0.00267 and 0.00278; TOPMed 0.00320; 1000 Genomes Project 30x 0.00328; 1000 Genomes Project 0.00339.
gnomAD v4.1: 784 of 1,614,136 alleles (0.049%); highest among the groups gnomAD compares: African/African-American, 0.9%; 4 homozygotes.

Submissions (6):

Labcorp Genetics (formerly Invitae), Labcorp
Classification: Benign. Last evaluated: 2026-02-02. Review status: criteria provided, single submitter. Criteria: Invitae Variant Classification Sherloc (09022015). Collection method: clinical testing. Allele origin: germline.

Blueprint Genetics
Classification: Likely benign. Last evaluated: 2024-08-06. Review status: criteria provided, single submitter. Criteria: ACMG Guidelines, 2015. Collection method: clinical testing. Allele origin: germline.

Athena Diagnostics
Classification: Benign. Last evaluated: 2024-06-12. Review status: criteria provided, single submitter. Criteria: Athena Diagnostics Criteria. Collection method: clinical testing. Allele origin: unknown.

Fulgent Genetics
Classification: Likely benign for Epilepsy, familial focal, with variable foci 4; Developmental and epileptic encephalopathy, 62. Last evaluated: 2021-08-06. Review status: criteria provided, single submitter. Criteria: ACMG Guidelines, 2015. Collection method: clinical testing. Allele origin: unknown.

Eurofins Ntd Llc (ga)
Classification: Benign. Last evaluated: 2015-02-10. Review status: criteria provided, single submitter. Criteria: EGL Classification Definitions 2015. Collection method: clinical testing. Allele origin: germline. Observed: 1 variant allele, 1 heterozygote.

PreventionGenetics, part of Exact Sciences
Classification: Benign for SCN3A-related condition. Last evaluated: 2019-07-12. Review status: no assertion criteria provided. Collection method: clinical testing. Allele origin: germline. Not counted in ClinVar's aggregate classification.
Comment: This variant is classified as benign based on ACMG/AMP sequence variant interpretation guidelines (Richards et al. 2015 PMID: 25741868, with internal and published modifications).